The following is an entry in ClinVar:

ClinVar aggregate classification (germline): Uncertain significance (0 of 4 stars; one submission).

Conditions:
ANKRD11-related disorder. Also called: ANKRD11-related condition.

Allele frequency attached by ClinVar (database versions not stated): gnomAD 0.00001; gnomAD exomes 0.00001.
gnomAD v4.1: 9 of 1,493,848 alleles (0.0006%); highest among the groups gnomAD compares: Middle Eastern, 0.022%; no homozygotes.

Submission:

PreventionGenetics, part of Exact Sciences
Classification: Uncertain significance for ANKRD11-related condition. Last evaluated: 2024-02-28. Review status: no assertion criteria provided. Collection method: clinical testing. Allele origin: germline.
Comment: The ANKRD11 c.6853G>A variant is predicted to result in the amino acid substitution p.Ala2285Thr. To our knowledge, this variant has not been reported in the literature. This variant has been reported in the "Remaining Individuals" category in gnomAD (Allele Count=1). At this time, the clinical significance of this variant is uncertain due to the absence of conclusive functional and genetic evidence.

NM_013275.6(ANKRD11):c.6853G>A (p.Ala2285Thr)

Gene: ANKRD11 (ankyrin repeat domain containing 11; minus strand). Cytogenetic location: 16q24.3.
Variant type: single nucleotide variant.
Coding change: c.6853G>A on transcript NM_013275.6 (MANE Select); coding-DNA position 6853, G replaced by A.
Protein change: p.Ala2285Thr; replaces alanine 2285 with threonine.
Molecular consequence: missense variant.
Genome position (GRCh38, 1-based): chr16:89,279,689, C>T on the plus strand (G>A on the coding strand, the complement: ANKRD11 is on the minus strand). VCF-style: chr16-89279689-C-T. GRCh37 (hg19) VCF-style: chr16-89346097-C-T.
Other names: c.6853G>A, p.Ala2285Thr (NM_001256182.2, NM_001256183.2); short protein forms A2285T.
Identifiers: ClinVar variation 3046618 (VCV003046618.2), dbSNP rs1212718041, ClinGen allele CA397149841.